The following is an entry in ClinVar:

ClinVar aggregate classification (germline): Uncertain significance (1 of 4 stars; one submission).

Allele frequency attached by ClinVar (database versions not stated): gnomAD 0.00002; TOPMed 0.00002.
gnomAD v4.1: 7 of 1,613,622 alleles (0.00043%); highest among the groups gnomAD compares: African/African-American, 0.0093%; no homozygotes.

Submission:

Labcorp Genetics (formerly Invitae), Labcorp
Classification: Uncertain significance. Last evaluated: 2021-10-02. Review status: criteria provided, single submitter. Criteria: Invitae Variant Classification Sherloc (09022015). Collection method: clinical testing. Allele origin: germline.
Comment: This sequence change replaces lysine with asparagine at codon 408 of the HPS1 protein (p.Lys408Asn). The lysine residue is moderately conserved and there is a moderate physicochemical difference between lysine and asparagine. This variant is not present in population databases (ExAC no frequency). This variant has not been reported in the literature in individuals affected with HPS1-related conditions. Algorithms developed to predict the effect of missense changes on protein structure and function are either unavailable or do not agree on the potential impact of this missense change (SIFT: "Tolerated"; PolyPhen-2: "Possibly Damaging"; Align-GVGD: "Class C0"). In summary, the available evidence is currently insufficient to determine the role of this variant in disease. Therefore, it has been classified as a Variant of Uncertain Significance.

NM_000195.5(HPS1):c.1224G>C (p.Lys408Asn)

Gene: HPS1 (HPS1 biogenesis of lysosomal organelles complex 3 subunit 1; minus strand). Cytogenetic location: 10q24.2.
Variant type: single nucleotide variant.
Coding change: c.1224G>C on transcript NM_000195.5 (MANE Select); coding-DNA position 1224, G replaced by C.
Protein change: p.Lys408Asn; replaces lysine 408 with asparagine.
Molecular consequence: missense variant.
Genome position (GRCh38, 1-based): chr10:98,425,652, C>G on the plus strand (G>C on the coding strand, the complement: HPS1 is on the minus strand). VCF-style: chr10-98425652-C-G. GRCh37 (hg19) VCF-style: chr10-100185409-C-G.
Other names: c.252G>C, p.Lys84Asn (NM_001311345.2, NM_001322487.2, NM_001322489.2); c.1224G>C, p.Lys408Asn (NM_001322476.2, NM_001322477.2); c.1125G>C, p.Lys375Asn (NM_001322478.2, NM_001322479.2); c.963G>C, p.Lys321Asn (NM_001322480.2, NM_001322481.2); c.864G>C, p.Lys288Asn (NM_001322482.2); c.855G>C, p.Lys285Asn (NM_001322483.2, NM_001322484.2); c.756G>C, p.Lys252Asn (NM_001322485.2); short protein forms K321N, K375N, K288N, K84N, K252N, K285N, K408N.
Identifiers: ClinVar variation 1516802 (VCV001516802.3), dbSNP rs1845505581, ClinGen allele CA378047797.